The following is an entry in ClinVar:

NM_001375524.1(TRRAP):c.1534_1545del (p.Pro512_Pro515del)

Gene: TRRAP (transformation/transcription domain associated protein; plus strand). Cytogenetic location: 7q22.1.
Variant type: Deletion.
Coding change: c.1534_1545del on transcript NM_001375524.1 (MANE Select); coding-DNA positions 1534 to 1545, 12 bases deleted (CCACCCCCACCT).
Protein change: p.Pro512_Pro515del.
Genome position (GRCh38, 1-based): chr7:98,910,239-98,910,250, CCACCCCCACCT deleted. VCF-style (leftmost placement, unchanged base first): chr7-98910238-CCCACCCCCACCT-C. GRCh37 (hg19) VCF-style: chr7-98507861-CCCACCCCCACCT-C.
Other names: c.1534_1545del, p.Pro512_Pro515del (NM_001244580.2, NM_003496.4).
Identifiers: ClinVar variation 4768905 (VCV004768905.1).

ClinVar aggregate classification (germline): Uncertain significance (1 of 4 stars; one submission).

Submission:

Labcorp Genetics (formerly Invitae), Labcorp
Classification: Uncertain significance. Last evaluated: 2025-08-29. Review status: criteria provided, single submitter. Criteria: Invitae Variant Classification Sherloc (09022015). Collection method: clinical testing. Allele origin: germline.
Comment: This variant, c.1534_1545del, results in the deletion of 4 amino acid(s) of the TRRAP protein (p.Pro512_Pro515del), but otherwise preserves the integrity of the reading frame. The frequency data for this variant in the population databases is considered unreliable, as metrics indicate poor data quality at this position in the gnomAD database. This variant has not been reported in the literature in individuals affected with TRRAP-related conditions. Experimental studies and prediction algorithms are not available or were not evaluated, and the functional significance of this variant is currently unknown. In summary, the available evidence is currently insufficient to determine the role of this variant in disease. Therefore, it has been classified as a Variant of Uncertain Significance.